The following is an entry in ClinVar:

ClinVar aggregate classification (germline): Benign/Likely benign. Review status: criteria provided, multiple submitters, no conflicts (2 of 4 stars). 2 submissions from 2 submitters: Benign (1); Likely benign (1). Last evaluated 2025-10-18.

Conditions:
Spastic paraplegia. Identifiers: MedGen C0037772, HP:0001258.

Allele frequency attached by ClinVar (database versions not stated): gnomAD 0.00001; TOPMed 0.00001; gnomAD exomes 0.00004; ExAC 0.00005.
gnomAD v4.1: 20 of 1,210,215 alleles (0.0017%); highest among the groups gnomAD compares: Admixed American, 0.024%; no homozygotes.

Submissions (2):

Labcorp Genetics (formerly Invitae), Labcorp
Classification: Benign for Spastic paraplegia. Last evaluated: 2025-10-18. Review status: criteria provided, single submitter. Criteria: Invitae Variant Classification Sherloc (09022015). Collection method: clinical testing. Allele origin: germline.

CeGaT Center for Human Genetics Tuebingen
Classification: Likely benign. Last evaluated: 2025-04-01. Review status: criteria provided, single submitter. Criteria: CeGaT Center For Human Genetics Tuebingen Variant Classification Criteria Version 2. Collection method: clinical testing. Allele origin: germline. Affected: yes. Observed: 1 variant allele.
Comment: L1CAM: BP4, BP7, BS2

NM_001278116.2(L1CAM):c.1386C>T (p.Asp462=)

Gene: L1CAM (L1 cell adhesion molecule; minus strand). Cytogenetic location: Xq28.
Variant type: single nucleotide variant.
Coding change: c.1386C>T on transcript NM_001278116.2 (MANE Select); coding-DNA position 1386, C replaced by T.
Protein change: p.Asp462=; no amino-acid change (aspartic acid 462 retained).
Molecular consequence: synonymous variant.
Genome position (GRCh38, 1-based): chrX:153,868,721, G>A on the plus strand (C>T on the coding strand, the complement: L1CAM is on the minus strand). VCF-style: chrX-153868721-G-A. GRCh37 (hg19) VCF-style: chrX-153134176-G-A.
Other names: c.1386C>T, p.Asp462= (NM_000425.5, NM_024003.3); c.1371C>T, p.Asp457= (NM_001143963.2).
Identifiers: ClinVar variation 698365 (VCV000698365.15), dbSNP rs200209432, ClinGen allele CA10554372.